The following is an entry in ClinVar:

ClinVar aggregate classification (germline): Uncertain significance (1 of 4 stars; one submission).

Conditions:
Familial sleep-related hypermotor epilepsy. Also called: Autosomal Dominant Sleep-Related Hypermotor (Hyperkinetic) Epilepsy. Identifiers: Orphanet 98784, MedGen C3696898, MONDO:0000030.

gnomAD v4.1: 20 of 1,614,046 alleles (0.0012%); highest among the groups gnomAD compares: Admixed American, 0.005%; no homozygotes.

Submission:

Labcorp Genetics (formerly Invitae), Labcorp
Classification: Uncertain significance. Last evaluated: 2024-10-04. Review status: criteria provided, single submitter. Criteria: Invitae Variant Classification Sherloc (09022015). Collection method: clinical testing. Allele origin: germline.
Comment: This sequence change replaces alanine, which is neutral and non-polar, with threonine, which is neutral and polar, at codon 93 of the CHRNA2 protein (p.Ala93Thr). This variant is present in population databases (rs751049729, gnomAD 0.009%). This variant has not been reported in the literature in individuals affected with CHRNA2-related conditions. Invitae Evidence Modeling of protein sequence and biophysical properties (such as structural, functional, and spatial information, amino acid conservation, physicochemical variation, residue mobility, and thermodynamic stability) indicates that this missense variant is not expected to disrupt CHRNA2 protein function with a negative predictive value of 80%. In summary, the available evidence is currently insufficient to determine the role of this variant in disease. Therefore, it has been classified as a Variant of Uncertain Significance.

NM_000742.4(CHRNA2):c.277G>A (p.Ala93Thr)

Gene: CHRNA2 (cholinergic receptor nicotinic alpha 2 subunit; minus strand). Cytogenetic location: 8p21.2.
Variant type: single nucleotide variant.
Coding change: c.277G>A on transcript NM_000742.4 (MANE Select); coding-DNA position 277, G replaced by A.
Protein change: p.Ala93Thr; replaces alanine 93 with threonine.
Molecular consequence: missense variant. On other transcripts: 5 prime UTR variant (2), intron variant (3).
Genome position (GRCh38, 1-based): chr8:27,469,778, C>T on the plus strand (G>A on the coding strand, the complement: CHRNA2 is on the minus strand). VCF-style: chr8-27469778-C-T. GRCh37 (hg19) VCF-style: chr8-27327295-C-T.
Other names: c.-196G>A (NM_001347706.2); c.-185G>A (NM_001347708.2); c.-179+28G>A (NM_001347705.2); c.249+28G>A (NM_001282455.2); c.-165+28G>A (NM_001347707.2); short protein forms A93T.
Identifiers: ClinVar variation 3644242 (VCV003644242.2).